The following is an entry in ClinVar:

ClinVar aggregate classification (germline): Uncertain significance. Review status: criteria provided, single submitter (1 of 4 stars). 2 submissions from 2 submitters: Uncertain significance (1). 1 of the submissions does not count toward it. Last evaluated 2025-12-17.

Conditions:
ACOX2-related disorder. Also called: ACOX2-related condition.

Allele frequency attached by ClinVar (database versions not stated): 1000 Genomes Project 30x 0.00031; 1000 Genomes Project 0.00040; TOPMed 0.00078; ExAC 0.00088; gnomAD 0.00090; ESP Exome Variant Server 0.00138.

Submissions (2):

Labcorp Genetics (formerly Invitae), Labcorp
Classification: Uncertain significance. Last evaluated: 2025-12-17. Review status: criteria provided, single submitter. Criteria: Invitae Variant Classification Sherloc (09022015). Collection method: clinical testing. Allele origin: germline.
Comment: This sequence change falls in intron 12 of the ACOX2 gene. It does not directly change the encoded amino acid sequence of the ACOX2 protein. It affects a nucleotide within the consensus splice site. This variant is present in population databases (rs201210623, gnomAD 0.2%), and has an allele count higher than expected for a pathogenic variant. This variant has not been reported in the literature in individuals affected with ACOX2-related conditions. ClinVar contains an entry for this variant (Variation ID: 2067064). Variants that disrupt the consensus splice site are a relatively common cause of aberrant splicing (PMID: 17576681, 9536098). Algorithms developed to predict the effect of sequence changes on RNA splicing suggest that this variant is not likely to affect RNA splicing. In summary, the available evidence is currently insufficient to determine the role of this variant in disease. Therefore, it has been classified as a Variant of Uncertain Significance.

PreventionGenetics, part of Exact Sciences
Classification: Likely benign for ACOX2-related condition. Last evaluated: 2021-06-07. Review status: no assertion criteria provided. Collection method: clinical testing. Allele origin: germline. Not counted in ClinVar's aggregate classification.
Comment: This variant is classified as likely benign based on ACMG/AMP sequence variant interpretation guidelines (Richards et al. 2015 PMID: 25741868, with internal and published modifications).

Literature cited by the submitters: PubMed 17576681 (cited by Labcorp Genetics (formerly Invitae), Labcorp); PubMed 9536098 (cited by Labcorp Genetics (formerly Invitae), Labcorp).

NM_003500.4(ACOX2):c.1632+6C>T

Gene: ACOX2 (acyl-CoA oxidase 2; minus strand). Cytogenetic location: 3p14.3.
Variant type: single nucleotide variant.
Coding change: c.1632+6C>T on transcript NM_003500.4 (MANE Select); 6 bases into the intron after coding-DNA position 1632, C replaced by T.
Molecular consequence: intron variant.
Genome position (GRCh38, 1-based): chr3:58,522,490, G>A on the plus strand (C>T on the coding strand, the complement: ACOX2 is on the minus strand). VCF-style: chr3-58522490-G-A. GRCh37 (hg19) VCF-style: chr3-58508217-G-A.
Other names: c.1632+6C>T (NM_003500.3).
Identifiers: ClinVar variation 2067064 (VCV002067064.6), dbSNP rs201210623, ClinGen allele CA2472003.